The following is an entry in ClinVar:

ClinVar aggregate classification (germline): Uncertain significance. Review status: criteria provided, multiple submitters, no conflicts (2 of 4 stars). 3 submissions from 3 submitters: Uncertain significance (3). Last evaluated 2024-01-04.

Conditions:
Fanconi anemia complementation group P. Also called: SLX4-Related Fanconi Anemia. Identifiers: Orphanet 84, MedGen C3469542, MONDO:0013499, OMIM 613951.
Fanconi anemia (FA). Also called: Fanconi's anemia. Identifiers: Orphanet 84, MedGen C0015625, MeSH D005199, MONDO:0019391.

Allele frequency attached by ClinVar (database versions not stated): gnomAD 0.00007 and 0.00008; TOPMed 0.00007; ESP Exome Variant Server 0.00008; gnomAD exomes 0.00009 and 0.00012; ExAC 0.00012; 1000 Genomes Project 30x 0.00016; 1000 Genomes Project 0.00020.
gnomAD v4.1: 141 of 1,614,178 alleles (0.0087%); highest among the groups gnomAD compares: Middle Eastern, 0.13%; no homozygotes.

Submissions (3):

Labcorp Genetics (formerly Invitae), Labcorp
Classification: Uncertain significance for Fanconi anemia. Last evaluated: 2024-01-04. Review status: criteria provided, single submitter. Criteria: Invitae Variant Classification Sherloc (09022015). Collection method: clinical testing. Allele origin: germline.
Comment: This sequence change replaces arginine, which is basic and polar, with glutamine, which is neutral and polar, at codon 411 of the SLX4 protein (p.Arg411Gln). This variant is present in population databases (rs201009985, gnomAD 0.03%). This variant has not been reported in the literature in individuals affected with SLX4-related conditions. ClinVar contains an entry for this variant (Variation ID: 661394). Algorithms developed to predict the effect of missense changes on protein structure and function output the following: SIFT: "Not Available"; PolyPhen-2: "Benign"; Align-GVGD: "Not Available". The glutamine amino acid residue is found in multiple mammalian species, which suggests that this missense change does not adversely affect protein function. In summary, the available evidence is currently insufficient to determine the role of this variant in disease. Therefore, it has been classified as a Variant of Uncertain Significance.

Fulgent Genetics
Classification: Uncertain significance for Fanconi anemia complementation group P. Last evaluated: 2022-04-18. Review status: criteria provided, single submitter. Criteria: ACMG Guidelines, 2015. Collection method: clinical testing. Allele origin: unknown.

Breakthrough Genomics
Classification: Uncertain significance. Review status: criteria provided, single submitter. Criteria: ACMG Guidelines, 2015. Collection method: not provided. Allele origin: germline. Inheritance: Autosomal recessive inheritance. Affected: yes.

NM_032444.4(SLX4):c.1232G>A (p.Arg411Gln)

Gene: SLX4 (SLX4 structure-specific endonuclease subunit; minus strand). Cytogenetic location: 16p13.3.
Variant type: single nucleotide variant.
Coding change: c.1232G>A on transcript NM_032444.4 (MANE Select); coding-DNA position 1232, G replaced by A.
Protein change: p.Arg411Gln; replaces arginine 411 with glutamine.
Molecular consequence: missense variant.
Genome position (GRCh38, 1-based): chr16:3,597,931, C>T on the plus strand (G>A on the coding strand, the complement: SLX4 is on the minus strand). VCF-style: chr16-3597931-C-T. GRCh37 (hg19) VCF-style: chr16-3647932-C-T.
Other names: c.1232G>A (LRG_503t1); short protein forms R411Q.
Identifiers: ClinVar variation 661394 (VCV000661394.11), dbSNP rs201009985, ClinGen allele CA7866584.